The following is an entry in ClinVar:

NM_201384.3(PLEC):c.6609C>G (p.Asn2203Lys)

Gene: PLEC (plectin; minus strand). Cytogenetic location: 8q24.3.
Variant type: single nucleotide variant.
Coding change: c.6609C>G on transcript NM_201384.3 (MANE Select); coding-DNA position 6609, C replaced by G.
Protein change: p.Asn2203Lys; replaces asparagine 2203 with lysine.
Molecular consequence: missense variant. On other transcripts: intron variant (1).
Genome position (GRCh38, 1-based): chr8:143,923,320, G>C on the plus strand (C>G on the coding strand, the complement: PLEC is on the minus strand). VCF-style: chr8-143923320-G-C. GRCh37 (hg19) VCF-style: chr8-144997488-G-C.
Other names: c.6690C>G, p.Asn2230Lys (NM_000445.5); c.6567C>G, p.Asn2189Lys (NM_201378.4); c.6543C>G, p.Asn2181Lys (NM_201379.3); c.7020C>G, p.Asn2340Lys (NM_201380.4); c.6513C>G, p.Asn2171Lys (NM_201381.3); c.6609C>G, p.Asn2203Lys (NM_201382.4); c.6621C>G, p.Asn2207Lys (NM_201383.3); c.4126-925C>G (NM_001410941.1); short protein forms N2171K, N2203K, N2230K, N2207K, N2181K, N2189K, N2340K.
Identifiers: ClinVar variation 2942515 (VCV002942515.3), dbSNP rs1554691892, ClinGen allele CA372533197.
Genomic context (GRCh38, chr8:143,923,320, plus strand): 5'-GCGCTGGCGTGCGGCCTCCGTGGCCTCCGCCTTCAGCCGCTGCAGCTCCTCGTCCAGCAG[G>C]TTCTTCTGGTGGTCGGTCTCCTCCAGCTGCAGCCGCAGTGTTGTCAGCTCCTGCTCCACC-3'
Protein context (NP_958786.1, residues 2193-2213): LQLEETDHQK[Asn2203Lys]LLDEELQRLK

ClinVar aggregate classification (germline): Uncertain significance (1 of 4 stars; one submission).

Conditions:
Epidermolysis bullosa simplex with nail dystrophy (EBS5D). Identifiers: MedGen C4225309, MONDO:0014661, OMIM 616487.
Epidermolysis bullosa simplex, Ogna type (EBS5A). Also called: Pidermolysis bullosa simplex 5A, Ogna type; EPIDERMOLYSIS BULLOSA SIMPLEX 5A, OGNA TYPE. Identifiers: Orphanet 79401, MedGen C0432317, MONDO:0007555, OMIM 131950.
Autosomal recessive limb-girdle muscular dystrophy type 2Q (LGMDR17). Also called: MUSCULAR DYSTROPHY, LIMB-GIRDLE, AUTOSOMAL RECESSIVE 17. Identifiers: Orphanet 254361, MedGen C3150989, MONDO:0013390, OMIM 613723.
Epidermolysis bullosa simplex 5B, with muscular dystrophy (EBS5B). Also called: EPIDERMOLYSIS BULLOSA SIMPLEX AND LIMB-GIRDLE MUSCULAR DYSTROPHY; Epidermolysis bullosa simplex with muscular dystrophy. Identifiers: Orphanet 257, MedGen C2931072, MONDO:0009181, OMIM 226670.
Epidermolysis bullosa simplex 5C, with pyloric atresia (EBS5C). Also called: PLEC-Related Epidermolysis Bullosa with Pyloric Atresia; Epidermolysis bullosa simplex with pyloric atresia; PLEC1-Related Epidermolysis Bullosa with Pyloric Atresia. Identifiers: Orphanet 158684, MedGen C2677349, MONDO:0012807, OMIM 612138.

Submission:

Labcorp Genetics (formerly Invitae), Labcorp
Classification: Uncertain significance for Autosomal recessive limb-girdle muscular dystrophy type 2Q; Epidermolysis bullosa simplex, Ogna type; Epidermolysis bullosa simplex with nail dystrophy; Epidermolysis bullosa simplex 5C, with pyloric atresia; Epidermolysis bullosa simplex 5B, with muscular dystrophy. Last evaluated: 2024-01-18. Review status: criteria provided, single submitter. Criteria: Invitae Variant Classification Sherloc (09022015). Collection method: clinical testing. Allele origin: germline.
Comment: This sequence change replaces asparagine, which is neutral and polar, with lysine, which is basic and polar, at codon 2230 of the PLEC protein (p.Asn2230Lys). This variant is not present in population databases (gnomAD no frequency). This variant has not been reported in the literature in individuals affected with PLEC-related conditions. Advanced modeling of protein sequence and biophysical properties (such as structural, functional, and spatial information, amino acid conservation, physicochemical variation, residue mobility, and thermodynamic stability) performed at Invitae indicates that this missense variant is not expected to disrupt PLEC protein function with a negative predictive value of 80%. In summary, the available evidence is currently insufficient to determine the role of this variant in disease. Therefore, it has been classified as a Variant of Uncertain Significance.